The following is an entry in ClinVar:

ClinVar aggregate classification (germline): Uncertain significance (1 of 4 stars; one submission).

Conditions:
Fibrous dysplasia of jaw (CRBM). Also called: Cherubism. Identifiers: Orphanet 184, MedGen C0008029, MONDO:0007315, OMIM 118400.

Submission:

Labcorp Genetics (formerly Invitae), Labcorp
Classification: Uncertain significance for Fibrous dysplasia of jaw. Last evaluated: 2024-10-16. Review status: criteria provided, single submitter. Criteria: Invitae Variant Classification Sherloc (09022015). Collection method: clinical testing. Allele origin: germline.
Comment: This sequence change creates a premature translational stop signal (p.Pro368Glnfs*21) in the SH3BP2 gene. It is expected to result in an absent or disrupted protein product. However, the current clinical and genetic evidence is not sufficient to establish whether loss-of-function variants in SH3BP2 cause disease. This variant is not present in population databases (gnomAD no frequency). This variant has not been reported in the literature in individuals affected with SH3BP2-related conditions. ClinVar contains an entry for this variant (Variation ID: 1041366). In summary, the available evidence is currently insufficient to determine the role of this variant in disease. Therefore, it has been classified as a Variant of Uncertain Significance.

NM_001122681.2(SH3BP2):c.1103del (p.Pro368fs)

Gene: SH3BP2 (SH3 domain binding protein 2; plus strand). Cytogenetic location: 4p16.3.
Variant type: Deletion.
Coding change: c.1103del on transcript NM_001122681.2 (MANE Select); coding-DNA position 1103, one base deleted (C; older notation c.1103delC).
Protein change: p.Pro368fs; shifts the reading frame from proline 368.
Molecular consequence: frameshift variant.
Genome position (GRCh38, 1-based): chr4:2,830,009, C deleted; the last of 6 consecutive C bases (chr4:2,830,004-2,830,009); deleting any one gives the same sequence. VCF-style (leftmost placement, unchanged base first): chr4-2830003-AC-A. GRCh37 (hg19) VCF-style: chr4-2831730-AC-A.
Other names: c.1187del, p.Pro396fs (NM_001145855.2); c.1274del, p.Pro425fs (NM_001145856.2); c.1103del, p.Pro368fs (NM_003023.4); short protein forms P425fs, P368fs, P396fs.
Identifiers: ClinVar variation 1041366 (VCV001041366.8), dbSNP rs1560111269, ClinGen allele CA2497061912.